The following is an entry in ClinVar:

NM_001430.5(EPAS1):c.140T>G (p.Val47Gly)

Gene: EPAS1 (endothelial PAS domain protein 1; plus strand). Cytogenetic location: 2p21.
Variant type: single nucleotide variant.
Coding change: c.140T>G on transcript NM_001430.5 (MANE Select); coding-DNA position 140, T replaced by G.
Protein change: p.Val47Gly; replaces valine 47 with glycine.
Molecular consequence: missense variant.
Genome position (GRCh38, 1-based): chr2:46,346,986, T>G. VCF-style: chr2-46346986-T-G. GRCh37 (hg19) VCF-style: chr2-46574125-T-G.
Other names: short protein forms V47G.
Identifiers: ClinVar variation 1772003 (VCV001772003.2), dbSNP rs2546439975, ClinGen allele CA346697115.

ClinVar aggregate classification (germline): Uncertain significance (1 of 4 stars; one submission).

Conditions:
Inborn genetic diseases. Identifiers: MedGen C0950123, MeSH D030342.

Submission:

Ambry Genetics
Classification: Uncertain significance for Inborn genetic diseases. Last evaluated: 2021-12-30. Review status: criteria provided, single submitter. Criteria: Ambry Variant Classification Scheme 2023. Collection method: clinical testing. Allele origin: germline.
Comment: The p.V47G variant (also known as c.140T>G), located in coding exon 2 of the EPAS1 gene, results from a T to G substitution at nucleotide position 140. The valine at codon 47 is replaced by glycine, an amino acid with dissimilar properties. This amino acid position is conserved. In addition, this alteration is predicted to be tolerated by in silico analysis. Since supporting evidence is limited at this time, the clinical significance of this alteration remains unclear.